The following is an entry in ClinVar:

NM_024757.5(EHMT1):c.2335G>A (p.Ala779Thr)

Gene: EHMT1 (euchromatic histone lysine methyltransferase 1; plus strand). Cytogenetic location: 9q34.3.
Variant type: single nucleotide variant.
Coding change: c.2335G>A on transcript NM_024757.5 (MANE Select); coding-DNA position 2335, G replaced by A.
Protein change: p.Ala779Thr; replaces alanine 779 with threonine.
Molecular consequence: missense variant.
Genome position (GRCh38, 1-based): chr9:137,782,350, G>A. VCF-style: chr9-137782350-G-A. GRCh37 (hg19) VCF-style: chr9-140676802-G-A.
Other names: c.2335G>A, p.Ala779Thr (NM_001145527.2); c.2242G>A, p.Ala748Thr (NM_001354259.2); c.2314G>A, p.Ala772Thr (NM_001354263.2); short protein forms A772T, A748T, A779T.
Identifiers: ClinVar variation 1029927 (VCV001029927.10), dbSNP rs1951621210, ClinGen allele CA375782950.

ClinVar aggregate classification (germline): Uncertain significance. Review status: criteria provided, multiple submitters, no conflicts (2 of 4 stars). 3 submissions from 3 submitters: Uncertain significance (3). Last evaluated 2025-05-05.

Conditions:
Kleefstra syndrome 1 (KLEFS1). Identifiers: Orphanet 261494, MedGen C0795833, MONDO:0027407, OMIM 610253.

Allele frequency attached by ClinVar (database versions not stated): gnomAD exomes below 0.00001.
gnomAD v4.1: 2 of 1,613,008 alleles (0.00012%); highest among the groups gnomAD compares: Non-Finnish European, 0.000085%; no homozygotes.

Submissions (3):

Labcorp Genetics (formerly Invitae), Labcorp
Classification: Uncertain significance for Kleefstra syndrome 1. Last evaluated: 2025-05-05. Review status: criteria provided, single submitter. Criteria: Invitae Variant Classification Sherloc (09022015). Collection method: clinical testing. Allele origin: germline.
Comment: This sequence change replaces alanine, which is neutral and non-polar, with threonine, which is neutral and polar, at codon 779 of the EHMT1 protein (p.Ala779Thr). This variant is not present in population databases (gnomAD no frequency). This variant has not been reported in the literature in individuals affected with EHMT1-related conditions. ClinVar contains an entry for this variant (Variation ID: 1029927). Invitae Evidence Modeling of protein sequence and biophysical properties (such as structural, functional, and spatial information, amino acid conservation, physicochemical variation, residue mobility, and thermodynamic stability) indicates that this missense variant is not expected to disrupt EHMT1 protein function with a negative predictive value of 80%. In summary, the available evidence is currently insufficient to determine the role of this variant in disease. Therefore, it has been classified as a Variant of Uncertain Significance.

GeneDx
Classification: Uncertain significance. Last evaluated: 2023-02-15. Review status: criteria provided, single submitter. Criteria: GeneDx Variant Classification Process June 2021. Collection method: clinical testing. Allele origin: germline. Affected: yes.
Comment: Not observed at significant frequency in large population cohorts (gnomAD); In silico analysis supports that this missense variant does not alter protein structure/function; Has not been previously published as pathogenic or benign to our knowledge

Baylor Genetics
Classification: Uncertain significance for Kleefstra syndrome 1. Last evaluated: 2020-06-03. Review status: criteria provided, single submitter. Criteria: ACMG Guidelines, 2015. Collection method: clinical testing. Allele origin: unknown. Affected: yes.
Comment: This variant was determined to be of uncertain significance according to ACMG Guidelines, 2015 [PMID:25741868].